The following is an entry in ClinVar:

ClinVar aggregate classification (germline): Pathogenic (1 of 4 stars; one submission).

Conditions:
Hereditary cancer-predisposing syndrome. Also called: Neoplastic Syndromes, Hereditary; Tumor predisposition; Hereditary Cancer Syndrome; Hereditary neoplastic syndrome. Identifiers: Orphanet 140162, MedGen C0027672, MeSH D009386, MONDO:0015356.

Submission:

Ambry Genetics
Classification: Pathogenic for Hereditary cancer-predisposing syndrome. Last evaluated: 2021-07-09. Review status: criteria provided, single submitter. Criteria: Ambry Variant Classification Scheme 2023. Collection method: clinical testing. Allele origin: germline.
Comment: The p.L384* pathogenic mutation (also known as c.1151T>A), located in coding exon 10 of the CHEK2 gene, results from a T to A substitution at nucleotide position 1151. This changes the amino acid from a leucine to a stop codon within coding exon 10. This alteration is expected to result in loss of function by premature protein truncation or nonsense-mediated mRNA decay. As such, this alteration is interpreted as a disease-causing mutation.

NM_007194.4(CHEK2):c.1151T>A (p.Leu384Ter)

Gene: CHEK2 (checkpoint kinase 2; minus strand). Cytogenetic location: 22q12.1.
Variant type: single nucleotide variant.
Coding change: c.1151T>A on transcript NM_007194.4 (MANE Select); coding-DNA position 1151, T replaced by A.
Protein change: p.Leu384Ter; replaces leucine 384 with a stop codon.
Molecular consequence: nonsense.
Genome position (GRCh38, 1-based): chr22:28,695,818, A>T on the plus strand (T>A on the coding strand, the complement: CHEK2 is on the minus strand). VCF-style: chr22-28695818-A-T. GRCh37 (hg19) VCF-style: chr22-29091806-A-T.
Other names: c.1064T>A, p.Leu355Ter (NM_145862.3); c.1280T>A, p.Leu427Ter (NM_001005735.3); c.488T>A, p.Leu163Ter (NM_001257387.3); c.950T>A, p.Leu317Ter (NM_001349956.3); short protein forms L163*, L427*, L355*, L384*, L317*.
Identifiers: ClinVar variation 1734220 (VCV001734220.2), dbSNP rs2145805179, ClinGen allele CA411096902.